The following is an entry in ClinVar:

ClinVar aggregate classification (germline): Uncertain significance (1 of 4 stars; one submission).

Conditions:
Combined immunodeficiency due to DOCK8 deficiency (HIES2). Also called: HIES autosomal recessive; Hyper-IgE recurrent infection syndrome, autosomal recessive; HYPER-IgE RECURRENT INFECTION SYNDROME 2, AUTOSOMAL RECESSIVE; HYPER-IgE SYNDROME 2, AUTOSOMAL RECESSIVE, WITH RECURRENT INFECTIONS; DOCK8 Deficiency. Identifiers: Orphanet 217390, MedGen C4722305, MONDO:0009478, OMIM 243700.

gnomAD v4.1: 2 of 1,613,954 alleles (0.00012%); no homozygotes.

Submission:

Labcorp Genetics (formerly Invitae), Labcorp
Classification: Uncertain significance for Combined immunodeficiency due to DOCK8 deficiency. Last evaluated: 2021-08-09. Review status: criteria provided, single submitter. Criteria: Invitae Variant Classification Sherloc (09022015). Collection method: clinical testing. Allele origin: germline.
Comment: In summary, the available evidence is currently insufficient to determine the role of this variant in disease. Therefore, it has been classified as a Variant of Uncertain Significance. Variants that disrupt the consensus splice site are a relatively common cause of aberrant splicing (PMID: 17576681, 9536098). Algorithms developed to predict the effect of sequence changes on RNA splicing suggest that this variant may disrupt the consensus splice site. Algorithms developed to predict the effect of missense changes on protein structure and function are either unavailable or do not agree on the potential impact of this missense change (SIFT: "Deleterious"; PolyPhen-2: "Benign"; Align-GVGD: "Class C0"). This variant has not been reported in the literature in individuals affected with DOCK8-related conditions. This variant is not present in population databases (ExAC no frequency). This sequence change replaces glycine with glutamic acid at codon 1177 of the DOCK8 protein (p.Gly1177Glu). The glycine residue is highly conserved and there is a moderate physicochemical difference between glycine and glutamic acid. This variant also falls at the last nucleotide of exon 28, which is part of the consensus splice site for this exon.

Literature cited by the submitters: PubMed 17576681; PubMed 9536098.

NM_203447.4(DOCK8):c.3530G>A (p.Gly1177Glu)

Gene: DOCK8 (dedicator of cytokinesis 8; plus strand). Cytogenetic location: 9p24.3.
Variant type: single nucleotide variant.
Coding change: c.3530G>A on transcript NM_203447.4 (MANE Select); coding-DNA position 3530, G replaced by A.
Protein change: p.Gly1177Glu; replaces glycine 1177 with glutamic acid.
Molecular consequence: missense variant.
Genome position (GRCh38, 1-based): chr9:407,069, G>A. VCF-style: chr9-407069-G-A. GRCh37 (hg19) VCF-style: chr9-407069-G-A.
Other names: c.3230G>A, p.Gly1077Glu (NM_001190458.2); c.3326G>A, p.Gly1109Glu (NM_001193536.2); short protein forms G1077E, G1177E, G1109E.
Identifiers: ClinVar variation 1481814 (VCV001481814.6), dbSNP rs117350404, ClinGen allele CA372758603.